The following is an entry in ClinVar:

NM_153704.6(TMEM67):c.934T>C (p.Ser312Pro)

Gene: TMEM67 (transmembrane protein 67; plus strand). Cytogenetic location: 8q22.1.
Variant type: single nucleotide variant.
Coding change: c.934T>C on transcript NM_153704.6 (MANE Select); coding-DNA position 934, T replaced by C.
Protein change: p.Ser312Pro; replaces serine 312 with proline.
Molecular consequence: missense variant. On other transcripts: non-coding transcript variant (1).
Genome position (GRCh38, 1-based): chr8:93,780,938, T>C. VCF-style: chr8-93780938-T-C. GRCh37 (hg19) VCF-style: chr8-94793166-T-C.
Other names: c.691T>C, p.Ser231Pro (NM_001142301.1); short protein forms S231P, S312P.
Identifiers: ClinVar variation 219998 (VCV000219998.7), dbSNP rs864622335, ClinGen allele CA348769.

ClinVar aggregate classification (germline): Uncertain significance (1 of 4 stars; one submission).

Conditions:
Meckel-Gruber syndrome. Also called: Dysencephalia splachnocystica; DYSENCEPHALIA SPLANCHNOCYSTICA; GRUBER SYNDROME. Identifiers: Orphanet 564, MedGen C0265215, MONDO:0018921.
Joubert syndrome. Also called: CEREBELLOPARENCHYMAL DISORDER IV; JOUBERT-BOLTSHAUSER SYNDROME; Familial aplasia of the vermis. Identifiers: Orphanet 475, MedGen C5979921, MONDO:0018772.

Allele frequency attached by ClinVar (database versions not stated): gnomAD exomes 0.00001; TOPMed below 0.00001; gnomAD 0.00001.
gnomAD v4.1: 11 of 1,612,088 alleles (0.00068%); highest among the groups gnomAD compares: Non-Finnish European, 0.00085%; no homozygotes.

Submission:

Labcorp Genetics (formerly Invitae), Labcorp
Classification: Uncertain significance for Joubert syndrome; Meckel-Gruber syndrome. Last evaluated: 2023-06-06. Review status: criteria provided, single submitter. Criteria: Invitae Variant Classification Sherloc (09022015). Collection method: clinical testing. Allele origin: germline.
Comment: In summary, the available evidence is currently insufficient to determine the role of this variant in disease. Therefore, it has been classified as a Variant of Uncertain Significance. Advanced modeling of protein sequence and biophysical properties (such as structural, functional, and spatial information, amino acid conservation, physicochemical variation, residue mobility, and thermodynamic stability) has been performed at Invitae for this missense variant, however the output from this modeling did not meet the statistical confidence thresholds required to predict the impact of this variant on TMEM67 protein function. ClinVar contains an entry for this variant (Variation ID: 219998). This missense change has been observed in individual(s) with Joubert syndrome (PMID: 30455918; Invitae). In at least one individual the data is consistent with being in trans (on the opposite chromosome) from a pathogenic variant. This variant is not present in population databases (gnomAD no frequency). This sequence change replaces serine, which is neutral and polar, with proline, which is neutral and non-polar, at codon 312 of the TMEM67 protein (p.Ser312Pro).

Literature cited by the submitters: PubMed 30455918.